The following is an entry in ClinVar:

NM_024675.4(PALB2):c.3242_3245del (p.Glu1081fs)

Gene: PALB2 (partner and localizer of BRCA2; minus strand). Cytogenetic location: 16p12.2.
Variant type: Microsatellite.
Coding change: c.3242_3245del on transcript NM_024675.4 (MANE Select); coding-DNA positions 3242 to 3245, 4 bases deleted (AGAG; older notation c.3242_3245delAGAG).
Protein change: p.Glu1081fs; shifts the reading frame from glutamic acid 1081.
Molecular consequence: frameshift variant.
Genome position (GRCh38, 1-based): chr16:23,607,969-23,607,972, CTCT deleted on the plus strand (AGAG on the coding strand, the reverse complement: PALB2 is on the minus strand); deleting any 4 consecutive bases within chr16:23,607,969-23,607,974 gives the same sequence; the c. name uses the placement nearest the transcript's 3' end. VCF-style (leftmost placement, unchanged base first): chr16-23607968-ACTCT-A. GRCh37 (hg19) VCF-style: chr16-23619289-ACTCT-A.
Other names: c.3180_3181AG[1], p.Glu1061Valfs (NM_001407296.1); c.3168_3169AG[1], p.Glu1057Valfs (NM_001407297.1); c.3078_3079AG[1], p.Glu1027Valfs (NM_001407298.1); c.2961_2962AG[1], p.Glu988Valfs (NM_001407300.1); c.2355_2356AG[1], p.Glu786Valfs (NM_001407304.1, NM_001407305.1, NM_001407306.1); c.2193_2194AG[1], p.Glu732Valfs (NM_001407307.1); c.1452_1453AG[1], p.Glu485Valfs (NM_001407312.1); c.774_775AG[1], p.Glu259Valfs (NM_001407314.1); short protein forms E1081fs.
Identifiers: ClinVar variation 1992923 (VCV001992923.4), dbSNP rs886039503, ClinGen allele CA2580613448.

ClinVar aggregate classification (germline): Pathogenic (1 of 4 stars; one submission).

Conditions:
Familial cancer of breast. Also called: hereditary breast carcinoma; Hereditary breast cancer; BREAST CANCER, FAMILIAL. Identifiers: Orphanet 227535, MedGen C0346153, MONDO:0016419, OMIM 114480. Disease mechanism: loss of function.

Submission:

Labcorp Genetics (formerly Invitae), Labcorp
Classification: Pathogenic for Familial cancer of breast. Last evaluated: 2022-05-11. Review status: criteria provided, single submitter. Criteria: Invitae Variant Classification Sherloc (09022015). Collection method: clinical testing. Allele origin: germline.
Comment: For these reasons, this variant has been classified as Pathogenic. Algorithms developed to predict the effect of sequence changes on RNA splicing suggest that this variant may disrupt the consensus splice site. This variant has not been reported in the literature in individuals affected with PALB2-related conditions. This variant is not present in population databases (gnomAD no frequency). This sequence change creates a premature translational stop signal (p.Glu1081Valfs*13) in the PALB2 gene. It is expected to result in an absent or disrupted protein product. Loss-of-function variants in PALB2 are known to be pathogenic (PMID: 17200668, 17200671, 17200672, 24136930, 25099575).

Literature cited by the submitters: PubMed 17200668; PubMed 17200671; PubMed 17200672; PubMed 24136930; PubMed 25099575.